The following is an entry in ClinVar:

ClinVar aggregate classification (germline): Uncertain significance. Review status: criteria provided, multiple submitters, no conflicts (2 of 4 stars). 2 submissions from 2 submitters: Uncertain significance (2). Last evaluated 2026-05-13.

Conditions:
Obesity due to SIM1 deficiency. Identifiers: Orphanet 369873, MedGen C5191050, MONDO:0018244.
SIM1-related disorder. Also called: SIM1-related condition; SIM1-related disorders.

gnomAD v4.1: 450 of 1,613,672 alleles (0.028%); highest among the groups gnomAD compares: Non-Finnish European, 0.036%; no homozygotes.

Submissions (2):

PreventionGenetics, part of Exact Sciences
Classification: Uncertain significance for SIM1-related condition. Last evaluated: 2026-05-13. Review status: criteria provided, single submitter. Criteria: ACMG Guidelines, 2015. Collection method: clinical testing. Allele origin: germline.
Comment: The SIM1 c.1054C>T variant is predicted to result in the amino acid substitution p.Pro352Ser. This variant has been reported in an individual with Prader-Willi-like syndrome (Geets et al. 2016. PubMed ID: 26795956). This variant is reported in 0.033% of alleles in individuals of European (Non-Finnish) descent in gnomAD, which may be too common to be a primary cause of disease. Although we suspect that this variant may be benign, at this time, the clinical significance of this variant is uncertain due to the absence of conclusive functional and genetic evidence.

Illumina Laboratory Services, Illumina
Classification: Uncertain significance for Obesity due to SIM1 deficiency. Last evaluated: 2017-04-28. Review status: criteria provided, single submitter. Criteria: ICSL Variant Classification Criteria 13 December 2019. Collection method: clinical testing. Allele origin: germline.
Comment: This variant was observed as part of a predisposition screen in an ostensibly healthy population. A literature search was performed for the gene, cDNA change, and amino acid change (where applicable). Publications were found based on this search. However, the evidence from the literature, in combination with allele frequency data from public databases where available, was not sufficient to rule this variant in or out of causing disease. Therefore, this variant is classified as a variant of unknown significance.

Literature cited by the submitters: PubMed 26795956 (cited by Illumina Laboratory Services, Illumina).

NM_005068.3(SIM1):c.1054C>T (p.Pro352Ser)

Genes: SIM1 (SIM bHLH transcription factor 1; minus strand), SIM1-AS1 (SIM1 antisense RNA 1; plus strand). Cytogenetic location: 6q16.3.
Variant type: single nucleotide variant.
Coding change: c.1054C>T on transcript NM_005068.3 (MANE Select); coding-DNA position 1054, C replaced by T.
Protein change: p.Pro352Ser; replaces proline 352 with serine.
Molecular consequence: missense variant.
Genome position (GRCh38, 1-based): chr6:100,420,903, G>A on the plus strand (C>T on the coding strand, the complement: SIM1 is on the minus strand). VCF-style: chr6-100420903-G-A. GRCh37 (hg19) VCF-style: chr6-100868779-G-A.
Other names: c.1054C>T, p.Pro352Ser (NM_001374769.1); short protein forms P352S.
Identifiers: ClinVar variation 906017 (VCV000906017.8), dbSNP rs3734354, ClinGen allele CA3937142.